The following is an entry in ClinVar:

ClinVar aggregate classification (germline): Uncertain significance (1 of 4 stars; one submission).

Submission:

Labcorp Genetics (formerly Invitae), Labcorp
Classification: Uncertain significance. Last evaluated: 2025-07-07. Review status: criteria provided, single submitter. Criteria: Invitae Variant Classification Sherloc (09022015). Collection method: clinical testing. Allele origin: germline.
Comment: This sequence change replaces valine, which is neutral and non-polar, with isoleucine, which is neutral and non-polar, at codon 261 of the LBR protein (p.Val261Ile). Information on the frequency of this variant in the gnomAD database is not available, as this variant may be reported differently in the database. This variant has not been reported in the literature in individuals affected with LBR-related conditions. ClinVar contains an entry for this variant (Variation ID: 2818110). Experimental studies and prediction algorithms are not available or were not evaluated, and the functional significance of this variant is currently unknown. In summary, the available evidence is currently insufficient to determine the role of this variant in disease. Therefore, it has been classified as a Variant of Uncertain Significance.

NM_002296.4(LBR):c.780_781delinsCA (p.Val261Ile)

Gene: LBR (lamin B receptor; minus strand). Cytogenetic location: 1q42.12.
Variant type: Indel.
Coding change: c.780_781delinsCA on transcript NM_002296.4 (MANE Select); coding-DNA positions 780 to 781, GG replaced by CA.
Protein change: p.Val261Ile; replaces valine 261 with isoleucine.
Molecular consequence: missense variant.
Genome position (GRCh38, 1-based): chr1:225,418,040-225,418,041, CC replaced by TG on the plus strand (GG replaced by CA on the coding strand, the reverse complement: LBR is on the minus strand). VCF-style: chr1-225418040-CC-TG. GRCh37 (hg19) VCF-style: chr1-225605742-CC-TG.
Other names: c.780_781delinsCA, p.Val261Ile (NM_194442.3); short protein forms V261I.
Identifiers: ClinVar variation 2818110 (VCV002818110.3), dbSNP rs2527817803, ClinGen allele CA2739275701.
Genomic context (GRCh38, chr1:225,418,040, plus strand): 5'-GTACCTTTCCAATTGGCAGTAGGTAGAACAGGACTTGAATCAAAAACCACAGGAGGTAGA[CC>TG]CCAAATACTCTGGTTTCCCATAACTCATACAAAGCTGGCAAAGGAGGAGGGAAATTCAGA-3'
Protein context (NP_002287.2, residues 251-271): YELWETRVFG[Val261Ile]YLLWFLIQVL